The following is an entry in ClinVar:

NM_032608.7(MYO18B):c.5585A>G (p.Glu1862Gly)

Gene: MYO18B (myosin XVIIIB; plus strand). Cytogenetic location: 22q12.1.
Variant type: single nucleotide variant.
Coding change: c.5585A>G on transcript NM_032608.7 (MANE Select); coding-DNA position 5585, A replaced by G.
Protein change: p.Glu1862Gly; replaces glutamic acid 1862 with glycine.
Molecular consequence: missense variant.
Genome position (GRCh38, 1-based): chr22:25,946,204, A>G. VCF-style: chr22-25946204-A-G. GRCh37 (hg19) VCF-style: chr22-26342170-A-G.
Other names: c.5588A>G, p.Glu1863Gly (NM_001318245.2); short protein forms E1863G, E1862G.
Identifiers: ClinVar variation 2183516 (VCV002183516.4), dbSNP rs769619175, ClinGen allele CA10161205.

ClinVar aggregate classification (germline): Uncertain significance (1 of 4 stars; one submission).

Allele frequency attached by ClinVar (database versions not stated): gnomAD 0.00001; ExAC 0.00003; gnomAD exomes 0.00003.
gnomAD v4.1: 51 of 1,584,098 alleles (0.0032%); highest among the groups gnomAD compares: Non-Finnish European, 0.0042%; no homozygotes.

Submission:

Labcorp Genetics (formerly Invitae), Labcorp
Classification: Uncertain significance. Last evaluated: 2025-01-13. Review status: criteria provided, single submitter. Criteria: Invitae Variant Classification Sherloc (09022015). Collection method: clinical testing. Allele origin: germline.
Comment: This sequence change replaces glutamic acid, which is acidic and polar, with glycine, which is neutral and non-polar, at codon 1862 of the MYO18B protein (p.Glu1862Gly). The frequency data for this variant in the population databases is considered unreliable, as metrics indicate poor data quality at this position in the gnomAD database. This variant has not been reported in the literature in individuals affected with MYO18B-related conditions. ClinVar contains an entry for this variant (Variation ID: 2183516). An algorithm developed to predict the effect of missense changes on protein structure and function (PolyPhen-2) suggests that this variant is likely to be disruptive. In summary, the available evidence is currently insufficient to determine the role of this variant in disease. Therefore, it has been classified as a Variant of Uncertain Significance.